The following is an entry in ClinVar:

ClinVar aggregate classification (germline): Uncertain significance (1 of 4 stars; one submission).

gnomAD v4.1: 3 of 1,605,190 alleles (0.00019%); highest among the groups gnomAD compares: Non-Finnish European, 0.00025%; no homozygotes.

Submission:

Labcorp Genetics (formerly Invitae), Labcorp
Classification: Uncertain significance. Last evaluated: 2022-08-19. Review status: criteria provided, single submitter. Criteria: Invitae Variant Classification Sherloc (09022015). Collection method: clinical testing. Allele origin: germline.
Comment: This sequence change replaces leucine, which is neutral and non-polar, with valine, which is neutral and non-polar, at codon 339 of the AEBP1 protein (p.Leu339Val). This variant is not present in population databases (gnomAD no frequency). This variant has not been reported in the literature in individuals affected with AEBP1-related conditions. Algorithms developed to predict the effect of missense changes on protein structure and function are either unavailable or do not agree on the potential impact of this missense change (SIFT: "Deleterious"; PolyPhen-2: "Benign"; Align-GVGD: "Class C0"). Algorithms developed to predict the effect of sequence changes on RNA splicing suggest that this variant may disrupt the consensus splice site. In summary, the available evidence is currently insufficient to determine the role of this variant in disease. Therefore, it has been classified as a Variant of Uncertain Significance.

NM_001129.5(AEBP1):c.1015C>G (p.Leu339Val)

Gene: AEBP1 (AE binding protein 1; plus strand). Cytogenetic location: 7p13.
Variant type: single nucleotide variant.
Coding change: c.1015C>G on transcript NM_001129.5 (MANE Select); coding-DNA position 1015, C replaced by G.
Protein change: p.Leu339Val; replaces leucine 339 with valine.
Molecular consequence: missense variant.
Genome position (GRCh38, 1-based): chr7:44,108,973, C>G. VCF-style: chr7-44108973-C-G. GRCh37 (hg19) VCF-style: chr7-44148572-C-G.
Other names: short protein forms L339V.
Identifiers: ClinVar variation 2176392 (VCV002176392.1), dbSNP rs2484344398, ClinGen allele CA367360566.